The following is an entry in ClinVar:

ClinVar aggregate classification (germline): Likely pathogenic (1 of 4 stars; one submission).

Allele frequency attached by ClinVar (database versions not stated): gnomAD exomes below 0.00001; ExAC 0.00001.
gnomAD v4.1: 1 of 1,613,772 alleles (0.000062%); highest among the groups gnomAD compares: Non-Finnish European, 0.000085%; no homozygotes.

Submission:

Labcorp Genetics (formerly Invitae), Labcorp
Classification: Likely pathogenic. Last evaluated: 2023-11-24. Review status: criteria provided, single submitter. Criteria: Invitae Variant Classification Sherloc (09022015). Collection method: clinical testing. Allele origin: germline.
Comment: This sequence change affects an acceptor splice site in intron 1 of the SLC4A11 gene. It is expected to disrupt RNA splicing. Variants that disrupt the donor or acceptor splice site typically lead to a loss of protein function (PMID: 16199547), and loss-of-function variants in SLC4A11 are known to be pathogenic (PMID: 17220209, 17679935). This variant is present in population databases (rs760203945, gnomAD 0.0009%). This variant has not been reported in the literature in individuals affected with SLC4A11-related conditions. Algorithms developed to predict the effect of sequence changes on RNA splicing suggest that this variant may disrupt the consensus splice site. In summary, the currently available evidence indicates that the variant is pathogenic, but additional data are needed to prove that conclusively. Therefore, this variant has been classified as Likely Pathogenic.

Literature cited by the submitters: PubMed 16199547; PubMed 17220209; PubMed 17679935.

NM_001174089.2(SLC4A11):c.89-2A>G

Gene: SLC4A11 (solute carrier family 4 member 11; minus strand). Cytogenetic location: 20p13.
Variant type: single nucleotide variant.
Coding change: c.89-2A>G on transcript NM_001174089.2 (MANE Select); the canonical splice acceptor site of the intron before coding-DNA position 89, A replaced by G.
Molecular consequence: splice acceptor variant.
Genome position (GRCh38, 1-based): chr20:3,234,896, T>C on the plus strand (A>G on the coding strand, the complement: SLC4A11 is on the minus strand). VCF-style: chr20-3234896-T-C. GRCh37 (hg19) VCF-style: chr20-3215542-T-C.
Other names: c.32-2A>G (NM_001400277.1, NM_001400278.1, NM_001400279.1); c.89-2A>G (NM_001363745.2); c.218-2A>G (NM_001400280.1, NM_001174090.2); c.137-2A>G (NM_032034.4).
Identifiers: ClinVar variation 2783671 (VCV002783671.3), dbSNP rs760203945, ClinGen allele CA9742445.